The following is an entry in ClinVar:

NM_002471.4(MYH6):c.4829G>A (p.Arg1610His)

Genes: MYH6 (myosin heavy chain 6; minus strand), LOC126861896 (BRD4-independent group 4 enhancer GRCh37_chr14:23854904-23856103; plus strand). Cytogenetic location: 14q11.2.
Variant type: single nucleotide variant.
Coding change: c.4829G>A on transcript NM_002471.4 (MANE Select); coding-DNA position 4829, G replaced by A.
Protein change: p.Arg1610His; replaces arginine 1610 with histidine.
Molecular consequence: missense variant.
Genome position (GRCh38, 1-based): chr14:23,386,445, C>T on the plus strand (G>A on the coding strand, the complement: MYH6 is on the minus strand). VCF-style: chr14-23386445-C-T. GRCh37 (hg19) VCF-style: chr14-23855654-C-T.
Other names: short protein forms R1610H.
Identifiers: ClinVar variation 312849 (VCV000312849.38), dbSNP rs758792342, ClinGen allele CA7114629.

ClinVar aggregate classification (germline): Uncertain significance. Review status: criteria provided, multiple submitters, no conflicts (2 of 4 stars). 5 submissions from 5 submitters: Uncertain significance (5). Last evaluated 2025-06-02.

Conditions:
Hypertrophic cardiomyopathy 14. Identifiers: MedGen C2750467, MONDO:0013197, OMIM 613251.
Cardiovascular phenotype. Identifiers: MedGen CN230736.
Hypertrophic cardiomyopathy 1 (CMH1). Also called: MYH7-Related Familial Hypertrophic Cardiomyopathy; Familial hypertrophic cardiomyopathy 1. Identifiers: MedGen C3495498, MONDO:0008647, OMIM 192600.
Atrial septal defect 3 (ASD3). Identifiers: Orphanet 1478, MedGen C3279790, MONDO:0013567, OMIM 614089.
Sick sinus syndrome 3, susceptibility to (SSS3). Identifiers: Orphanet 166282, MedGen C3279791, MONDO:0013568, OMIM 614090.
Dilated cardiomyopathy 1EE (CMD1EE). Identifiers: Orphanet 154, MedGen C2750466, MONDO:0013198, OMIM 613252.

Allele frequency attached by ClinVar (database versions not stated): gnomAD exomes 0.00002 and 0.00004; ExAC 0.00003; gnomAD 0.00003; TOPMed 0.00003.

Submissions (5):

Labcorp Genetics (formerly Invitae), Labcorp
Classification: Uncertain significance for Hypertrophic cardiomyopathy 14. Last evaluated: 2025-06-02. Review status: criteria provided, single submitter. Criteria: Invitae Variant Classification Sherloc (09022015). Collection method: clinical testing. Allele origin: germline.
Comment: This sequence change replaces arginine, which is basic and polar, with histidine, which is basic and polar, at codon 1610 of the MYH6 protein (p.Arg1610His). This variant is present in population databases (rs758792342, gnomAD 0.01%). This variant has not been reported in the literature in individuals affected with MYH6-related conditions. ClinVar contains an entry for this variant (Variation ID: 312849). Invitae Evidence Modeling of protein sequence and biophysical properties (such as structural, functional, and spatial information, amino acid conservation, physicochemical variation, residue mobility, and thermodynamic stability) indicates that this missense variant is expected to disrupt MYH6 protein function with a positive predictive value of 80%. In summary, the available evidence is currently insufficient to determine the role of this variant in disease. Therefore, it has been classified as a Variant of Uncertain Significance.

Ambry Genetics
Classification: Uncertain significance for Cardiovascular phenotype. Last evaluated: 2023-12-03. Review status: criteria provided, single submitter. Criteria: Ambry Variant Classification Scheme 2023. Collection method: clinical testing. Allele origin: germline.
Comment: The p.R1610H variant (also known as c.4829G>A), located in coding exon 31 of the MYH6 gene, results from a G to A substitution at nucleotide position 4829. The arginine at codon 1610 is replaced by histidine, an amino acid with highly similar properties. A different variant affecting this codon (p.R1610C, c.4828C>T) has been detected in an individual with atrial and and ventricular septal defects (Jin SC et al. Nat. Genet., 2017 Nov;49:1593-1601). This amino acid position is highly conserved in available vertebrate species. In addition, this alteration is predicted to be deleterious by in silico analysis. Since supporting evidence is limited at this time, the clinical significance of this alteration remains unclear.

GeneDx
Classification: Uncertain significance. Last evaluated: 2022-04-13. Review status: criteria provided, single submitter. Criteria: GeneDx Variant Classification Process June 2021. Collection method: clinical testing. Allele origin: germline. Affected: yes.
Comment: In silico analysis supports that this missense variant has a deleterious effect on protein structure/function; Has not been previously published as pathogenic or benign to our knowledge

CeGaT Center for Human Genetics Tuebingen
Classification: Uncertain significance. Last evaluated: 2022-04-01. Review status: criteria provided, single submitter. Criteria: CeGaT Center For Human Genetics Tuebingen Variant Classification Criteria Version 2. Collection method: clinical testing. Allele origin: germline. Affected: yes. Observed: 1 variant allele.

Fulgent Genetics
Classification: Uncertain significance for Hypertrophic cardiomyopathy 1; Hypertrophic cardiomyopathy 14; Dilated cardiomyopathy 1EE; Atrial septal defect 3; Sick sinus syndrome 3, susceptibility to. Last evaluated: 2021-10-20. Review status: criteria provided, single submitter. Criteria: ACMG Guidelines, 2015. Collection method: clinical testing. Allele origin: unknown.

Literature cited by the submitters: PubMed 28991257 (cited by Ambry Genetics).